The following is an entry in ClinVar:

NM_025132.4(WDR19):c.2066T>C (p.Met689Thr)

Gene: WDR19 (WD repeat domain 19; plus strand). Cytogenetic location: 4p14.
Variant type: single nucleotide variant.
Coding change: c.2066T>C on transcript NM_025132.4 (MANE Select); coding-DNA position 2066, T replaced by C.
Protein change: p.Met689Thr; replaces methionine 689 with threonine.
Molecular consequence: missense variant.
Genome position (GRCh38, 1-based): chr4:39,231,880, T>C. VCF-style: chr4-39231880-T-C. GRCh37 (hg19) VCF-style: chr4-39233500-T-C.
Other names: c.1586T>C, p.Met529Thr (NM_001317924.2); short protein forms M529T, M689T.
Identifiers: ClinVar variation 1403803 (VCV001403803.8), dbSNP rs780879248, ClinGen allele CA2892002.

ClinVar aggregate classification (germline): Uncertain significance. Review status: criteria provided, multiple submitters, no conflicts (2 of 4 stars). 4 submissions from 4 submitters: Uncertain significance (4). Last evaluated 2024-08-01.

Conditions:
Asphyxiating thoracic dystrophy 5 (SRTD5). Also called: SHORT-RIB THORACIC DYSPLASIA 5 WITHOUT POLYDACTYLY; SHORT-RIB THORACIC DYSPLASIA 5 WITH OR WITHOUT POLYDACTYLY. Identifiers: Orphanet 474, MedGen C3280598, MONDO:0013717, OMIM 614376.
Cranioectodermal dysplasia 4 (CED4). Identifiers: Orphanet 1515, MedGen C3280616, MONDO:0013719, OMIM 614378.
Spermatogenic failure 72 (SPGF72). Identifiers: MedGen C5676980, MONDO:0030809, OMIM 619867.
Nephronophthisis 13 (NPHP13). Identifiers: Orphanet 655, MedGen C3280612, MONDO:0013718, OMIM 614377.
Senior-Loken syndrome 8 (SLSN8). Identifiers: Orphanet 3156, MedGen C4225376, MONDO:0014579, OMIM 616307.

Allele frequency attached by ClinVar (database versions not stated): ExAC 0.00001; gnomAD 0.00001; TOPMed 0.00002; gnomAD exomes 0.00003 and 0.00006.
gnomAD v4.1: 101 of 1,613,396 alleles (0.0063%); highest among the groups gnomAD compares: Non-Finnish European, 0.0078%; no homozygotes.

Submissions (4):

Blueprint Genetics
Classification: Uncertain significance. Last evaluated: 2024-08-01. Review status: criteria provided, single submitter. Criteria: ACMG Guidelines, 2015. Collection method: clinical testing. Allele origin: germline.

Labcorp Genetics (formerly Invitae), Labcorp
Classification: Uncertain significance for Senior-Loken syndrome 8; Asphyxiating thoracic dystrophy 5. Last evaluated: 2022-03-09. Review status: criteria provided, single submitter. Criteria: Invitae Variant Classification Sherloc (09022015). Collection method: clinical testing. Allele origin: germline.
Comment: This sequence change replaces methionine, which is neutral and non-polar, with threonine, which is neutral and polar, at codon 689 of the WDR19 protein (p.Met689Thr). This variant is present in population databases (rs780879248, gnomAD 0.005%). This variant has not been reported in the literature in individuals affected with WDR19-related conditions. Algorithms developed to predict the effect of missense changes on protein structure and function (SIFT, PolyPhen-2, Align-GVGD) all suggest that this variant is likely to be tolerated. In summary, the available evidence is currently insufficient to determine the role of this variant in disease. Therefore, it has been classified as a Variant of Uncertain Significance.

Fulgent Genetics
Classification: Uncertain significance for Asphyxiating thoracic dystrophy 5; Nephronophthisis 13; Cranioectodermal dysplasia 4; Senior-Loken syndrome 8; Spermatogenic failure 72. Last evaluated: 2021-12-21. Review status: criteria provided, single submitter. Criteria: ACMG Guidelines, 2015. Collection method: clinical testing. Allele origin: unknown.

Breakthrough Genomics
Classification: Uncertain significance. Review status: criteria provided, single submitter. Criteria: ACMG Guidelines, 2015. Collection method: not provided. Allele origin: germline. Inheritance: Autosomal recessive inheritance. Affected: yes.